The following is an entry in ClinVar:

NM_139076.3(ABRAXAS1):c.896T>G (p.Met299Arg)

Gene: ABRAXAS1 (abraxas 1, BRCA1 A complex subunit; minus strand). Cytogenetic location: 4q21.23.
Variant type: single nucleotide variant.
Coding change: c.896T>G on transcript NM_139076.3 (MANE Select); coding-DNA position 896, T replaced by G.
Protein change: p.Met299Arg; replaces methionine 299 with arginine.
Molecular consequence: missense variant.
Genome position (GRCh38, 1-based): chr4:83,462,803, A>C on the plus strand (T>G on the coding strand, the complement: ABRAXAS1 is on the minus strand). VCF-style: chr4-83462803-A-C. GRCh37 (hg19) VCF-style: chr4-84383956-A-C.
Other names: c.569T>G, p.Met190Arg (NM_001345962.2); short protein forms M190R, M299R.
Identifiers: ClinVar variation 1799749 (VCV001799749.3), dbSNP rs781307588, ClinGen allele CA357256283.

ClinVar aggregate classification (germline): Uncertain significance (1 of 4 stars; one submission).

Submission:

Ambry Genetics
Classification: Uncertain significance. Last evaluated: 2025-07-25. Review status: criteria provided, single submitter. Criteria: Ambry Variant Classification Scheme 2023. Collection method: clinical testing. Allele origin: germline.
Comment: The p.M299R variant (also known as c.896T>G), located in coding exon 9 of the FAM175A gene, results from a T to G substitution at nucleotide position 896. The methionine at codon 299 is replaced by arginine, an amino acid with similar properties. This amino acid position is conserved. In addition, this alteration is predicted to be tolerated by in silico analysis. Since supporting evidence is limited at this time, the clinical significance of this alteration remains unclear.